The following is an entry in ClinVar:

ClinVar aggregate classification (germline): Benign/Likely benign. Review status: criteria provided, multiple submitters, no conflicts (2 of 4 stars). 3 submissions from 3 submitters: Benign (1); Likely benign (2). Last evaluated 2025-08-18.

Conditions:
Neutropenia, severe congenital, 1, autosomal dominant. Identifiers: MedGen C1859966, MONDO:0042490, OMIM 202700.
Cyclical neutropenia. Also called: Cyclic Neutropenia; Cyclic hematopoiesis. Identifiers: Orphanet 2686, MedGen C0221023, MONDO:0008090, OMIM 162800, HP:0040289. Disease mechanism: loss of function.
ELANE-related disorder. Also called: ELANE-related condition.

Allele frequency attached by ClinVar (database versions not stated): ExAC 0.00002; TOPMed 0.00004.
gnomAD v4.1: 51 of 1,598,586 alleles (0.0032%); highest among the groups gnomAD compares: South Asian, 0.0077%; no homozygotes.

Submissions (3):

Labcorp Genetics (formerly Invitae), Labcorp
Classification: Likely benign for Neutropenia, severe congenital, 1, autosomal dominant; Cyclical neutropenia. Last evaluated: 2025-08-18. Review status: criteria provided, single submitter. Criteria: Invitae Variant Classification Sherloc (09022015). Collection method: clinical testing. Allele origin: germline.

PreventionGenetics, part of Exact Sciences
Classification: Likely benign for ELANE-related condition. Last evaluated: 2024-12-10. Review status: criteria provided, single submitter. Criteria: ACMG Guidelines, 2015. Collection method: clinical testing. Allele origin: germline.
Comment: This variant is classified as likely benign based on ACMG/AMP sequence variant interpretation guidelines (Richards et al. 2015 PMID: 25741868, with internal and published modifications).

GeneDx
Classification: Benign. Last evaluated: 2015-03-03. Review status: criteria provided, single submitter. Criteria: GeneDx Variant Classification Process June 2021. Collection method: clinical testing. Allele origin: germline. Affected: yes.

NM_001972.4(ELANE):c.367-8C>T

Gene: ELANE (elastase, neutrophil expressed; plus strand). Cytogenetic location: 19p13.3.
Variant type: single nucleotide variant.
Coding change: c.367-8C>T on transcript NM_001972.4 (MANE Select); 8 bases into the intron before coding-DNA position 367, C replaced by T.
Molecular consequence: intron variant.
Genome position (GRCh38, 1-based): chr19:855,556, C>T. VCF-style: chr19-855556-C-T. GRCh37 (hg19) VCF-style: chr19-855556-C-T.
Other names: c.367-8C>T (NM_001972.3).
Identifiers: ClinVar variation 1107550 (VCV001107550.14), dbSNP rs200752339, ClinGen allele CA9026035.
Genomic context (GRCh38, chr19:855,556, plus strand): 5'-CCCGGAGAGGGGAGGGTCATCATCACTGCCCCGTGTGACGCGCTGACGATCTGTCCCCAC[C>T]GCCACAGCTCAACGGGTCGGCCACCATCAACGCCAACGTGCAGGTGGCCCAGCTGCCGGC-3'